The following is an entry in ClinVar:

NM_020911.2(PLXNA4):c.2117G>A (p.Arg706Gln)

Gene: PLXNA4 (plexin A4; minus strand). Cytogenetic location: 7q32.3.
Variant type: single nucleotide variant.
Coding change: c.2117G>A on transcript NM_020911.2 (MANE Select); coding-DNA position 2117, G replaced by A.
Protein change: p.Arg706Gln; replaces arginine 706 with glutamine.
Molecular consequence: missense variant.
Genome position (GRCh38, 1-based): chr7:132,211,124, C>T on the plus strand (G>A on the coding strand, the complement: PLXNA4 is on the minus strand). VCF-style: chr7-132211124-C-T. GRCh37 (hg19) VCF-style: chr7-131895883-C-T.
Other names: c.2117G>A, p.Arg706Gln (NM_001393897.1); short protein forms R706Q.
Identifiers: ClinVar variation 2543812 (VCV002543812.6), dbSNP rs766893062, ClinGen allele CA4489890.

ClinVar aggregate classification (germline): Uncertain significance. Review status: criteria provided, multiple submitters, no conflicts (2 of 4 stars). 2 submissions from 2 submitters: Uncertain significance (2). Last evaluated 2025-12-30.

Conditions:
PLXNA4-related disorder. Also called: PLXNA4-related condition.

Allele frequency attached by ClinVar (database versions not stated): gnomAD exomes 0.00004; ExAC 0.00008.
gnomAD v4.1: 67 of 1,562,930 alleles (0.0043%); highest among the groups gnomAD compares: Middle Eastern, 0.1%; no homozygotes.

Submissions (2):

PreventionGenetics, part of Exact Sciences
Classification: Uncertain significance for PLXNA4-related condition. Last evaluated: 2025-12-30. Review status: criteria provided, single submitter. Criteria: ACMG Guidelines, 2015. Collection method: clinical testing. Allele origin: germline.
Comment: The PLXNA4 c.2117G>A variant is predicted to result in the amino acid substitution p.Arg706Gln. To our knowledge, this variant has not been reported in the literature. This variant is reported in 0.011% of alleles in individuals of African descent in gnomAD. At this time, the clinical significance of this variant is uncertain due to the absence of conclusive functional and genetic evidence.

Ambry Genetics
Classification: Uncertain significance. Last evaluated: 2025-05-16. Review status: criteria provided, single submitter. Criteria: Ambry Variant Classification Scheme 2023. Collection method: clinical testing. Allele origin: germline.